The following is an entry in ClinVar:

ClinVar aggregate classification (germline): Uncertain significance (1 of 4 stars; one submission).

Conditions:
Charcot-Marie-Tooth disease type 2. Also called: Charcot-Marie-Tooth type 2. Identifiers: Orphanet 64746, MedGen C0270914, MONDO:0018993.

Allele frequency attached by ClinVar (database versions not stated): gnomAD exomes 0.00001; ExAC 0.00002; gnomAD 0.00001; TOPMed 0.00001.

Submission:

Labcorp Genetics (formerly Invitae), Labcorp
Classification: Uncertain significance for Charcot-Marie-Tooth disease type 2. Last evaluated: 2022-08-16. Review status: criteria provided, single submitter. Criteria: Invitae Variant Classification Sherloc (09022015). Collection method: clinical testing. Allele origin: germline.
Comment: Algorithms developed to predict the effect of missense changes on protein structure and function (SIFT, PolyPhen-2, Align-GVGD) all suggest that this variant is likely to be tolerated. ClinVar contains an entry for this variant (Variation ID: 1025612). This variant has not been reported in the literature in individuals affected with MED25-related conditions. This variant is present in population databases (rs755457665, gnomAD 0.01%). In summary, the available evidence is currently insufficient to determine the role of this variant in disease. Therefore, it has been classified as a Variant of Uncertain Significance. This sequence change replaces glutamic acid, which is acidic and polar, with glutamine, which is neutral and polar, at codon 6 of the MED25 protein (p.Glu6Gln).

NM_030973.4(MED25):c.16G>C (p.Glu6Gln)

Gene: MED25 (mediator complex subunit 25; plus strand). Cytogenetic location: 19q13.33.
Variant type: single nucleotide variant.
Coding change: c.16G>C on transcript NM_030973.4 (MANE Select); coding-DNA position 16, G replaced by C.
Protein change: p.Glu6Gln; replaces glutamic acid 6 with glutamine.
Molecular consequence: missense variant.
Genome position (GRCh38, 1-based): chr19:49,818,357, G>C. VCF-style: chr19-49818357-G-C. GRCh37 (hg19) VCF-style: chr19-50321614-G-C.
Other names: c.16G>C, p.Glu6Gln (NM_001378355.1); short protein forms E6Q.
Identifiers: ClinVar variation 1025612 (VCV001025612.8), dbSNP rs755457665, ClinGen allele CA9584672.